The following is an entry in ClinVar:

NM_000258.3(MYL3):c.258C>G (p.Asn86Lys)

Gene: MYL3 (myosin light chain 3; minus strand). Cytogenetic location: 3p21.31.
Variant type: single nucleotide variant.
Coding change: c.258C>G on transcript NM_000258.3 (MANE Select); coding-DNA position 258, C replaced by G.
Protein change: p.Asn86Lys; replaces asparagine 86 with lysine.
Molecular consequence: missense variant.
Genome position (GRCh38, 1-based): chr3:46,860,725, G>C on the plus strand (C>G on the coding strand, the complement: MYL3 is on the minus strand). VCF-style: chr3-46860725-G-C. GRCh37 (hg19) VCF-style: chr3-46902215-G-C.
Other names: c.258C>G, p.Asn86Lys (NM_001406939.1, NM_001406937.1, NM_001406938.1); c.84C>G, p.Asn28Lys (NM_001406940.1, NM_001406941.1); short protein forms N28K, N86K.
Identifiers: ClinVar variation 3070423 (VCV003070423.1), dbSNP rs759363076, ClinGen allele CA352498060.

ClinVar aggregate classification (germline): Uncertain significance (1 of 4 stars; one submission).

Conditions:
Hypertrophic cardiomyopathy. Also called: HYPERTROPHIC MYOCARDIOPATHY. Identifiers: Orphanet 217569, MedGen C0007194, MeSH D002312, MONDO:0005045, HP:0001639.

Submission:

All of Us Research Program, National Institutes of Health
Classification: Uncertain significance for Hypertrophic cardiomyopathy. Last evaluated: 2023-04-10. Review status: criteria provided, single submitter. Criteria: ACMG Guidelines, 2015. Collection method: clinical testing. Allele origin: germline. Inheritance: Autosomal dominant inheritance. Observed: 1 variant allele, 1 heterozygote.
Comment: This missense variant replaces asparagine with lysine at codon 86 of the MYL3 protein. Computational prediction suggests that this variant may have deleterious impact on protein structure and function (internally defined REVEL score threshold >= 0.7, PMID: 27666373). To our knowledge, functional studies have not been reported for this variant. This variant has not been reported in individuals affected with MYL3-related disorders in the literature. This variant has not been identified in the general population by the Genome Aggregation Database (gnomAD). The available evidence is insufficient to determine the role of this variant in disease conclusively. Therefore, this variant is classified as a Variant of Uncertain Significance.

This study involves interpretation of variants in research participants for the purpose of population health screening. Participant phenotype was not available at the time of variant classification. Additional details can be found in publication PMID: 35346344, PMCID: PMC8962531